The following is an entry in ClinVar:

NM_014806.5(RUSC2):c.3754dup (p.Glu1252fs)

Gene: RUSC2 (RUN and SH3 domain containing 2; plus strand). Cytogenetic location: 9p13.3.
Variant type: Duplication.
Coding change: c.3754dup on transcript NM_014806.5 (MANE Select); coding-DNA position 3754, one base duplicated (G; older notation c.3754dupG).
Protein change: p.Glu1252fs; shifts the reading frame from glutamic acid 1252.
Molecular consequence: frameshift variant. On other transcripts: non-coding transcript variant (1).
Genome position (GRCh38, 1-based): chr9:35,560,394, G duplicated. VCF-style (leftmost placement, unchanged base first): chr9-35560393-A-AG. GRCh37 (hg19) VCF-style: chr9-35560390-A-AG.
Other names: c.3754dup, p.Glu1252fs (NM_001135999.2); c.1120dup, p.Glu374fs (NM_001330740.2); short protein forms E374fs, E1252fs.
Identifiers: ClinVar variation 2726797 (VCV002726797.3), dbSNP rs2490416706, ClinGen allele CA2697557758.

ClinVar aggregate classification (germline): Pathogenic (1 of 4 stars; one submission).

Submission:

Labcorp Genetics (formerly Invitae), Labcorp
Classification: Pathogenic. Last evaluated: 2023-07-09. Review status: criteria provided, single submitter. Criteria: Invitae Variant Classification Sherloc (09022015). Collection method: clinical testing. Allele origin: germline.
Comment: This sequence change creates a premature translational stop signal (p.Glu1252Glyfs*36) in the RUSC2 gene. It is expected to result in an absent or disrupted protein product. Loss-of-function variants in RUSC2 are known to be pathogenic (PMID: 27612186). This variant is not present in population databases (gnomAD no frequency). This variant has not been reported in the literature in individuals affected with RUSC2-related conditions. Algorithms developed to predict the effect of sequence changes on RNA splicing suggest that this variant may disrupt the consensus splice site. For these reasons, this variant has been classified as Pathogenic.

Literature cited by the submitters: PubMed 27612186.